The following is an entry in ClinVar:

ClinVar aggregate classification (germline): Likely pathogenic (1 of 4 stars; one submission).

Conditions:
Alstrom syndrome (ALMS). Identifiers: Orphanet 64, MedGen C0268425, MONDO:0008763, OMIM 203800.

gnomAD v4.1: 1 of 1,614,066 alleles (0.000062%); highest among the groups gnomAD compares: South Asian, 0.0011%; no homozygotes.

Submission:

Labcorp Genetics (formerly Invitae), Labcorp
Classification: Likely pathogenic for Alstrom syndrome. Last evaluated: 2023-06-24. Review status: criteria provided, single submitter. Criteria: Invitae Variant Classification Sherloc (09022015). Collection method: clinical testing. Allele origin: germline.
Comment: This variant is not present in population databases (gnomAD no frequency). This sequence change affects a donor splice site in intron 14 of the ALMS1 gene. It is expected to disrupt RNA splicing. Variants that disrupt the donor or acceptor splice site typically lead to a loss of protein function (PMID: 16199547), and loss-of-function variants in ALMS1 are known to be pathogenic (PMID: 17594715). In summary, the currently available evidence indicates that the variant is pathogenic, but additional data are needed to prove that conclusively. Therefore, this variant has been classified as Likely Pathogenic. Algorithms developed to predict the effect of sequence changes on RNA splicing suggest that this variant may disrupt the consensus splice site. This variant has not been reported in the literature in individuals affected with ALMS1-related conditions.

Literature cited by the submitters: PubMed 16199547; PubMed 17594715.

NM_001378454.1(ALMS1):c.10213+1G>T

Gene: ALMS1 (ALMS1 centrosome and basal body associated protein; plus strand). Cytogenetic location: 2p13.1.
Variant type: single nucleotide variant.
Coding change: c.10213+1G>T on transcript NM_001378454.1 (MANE Select); the canonical splice donor site of the intron after coding-DNA position 10213, G replaced by T.
Molecular consequence: splice donor variant.
Genome position (GRCh38, 1-based): chr2:73,557,355, G>T. VCF-style: chr2-73557355-G-T. GRCh37 (hg19) VCF-style: chr2-73784482-G-T.
Other names: c.10213+1G>T (NM_015120.4).
Identifiers: ClinVar variation 3019276 (VCV003019276.3), dbSNP rs374681570, ClinGen allele CA347276913.
Genomic context (GRCh38, chr2:73,557,355, plus strand): 5'-GGGCAGTGACTGAGGCTGCCCAGGCTAAAGAAAAAGAATCTTTGCAGAAAGATACTGCAG[G>T]TAGCTAAACTGGATTGTCTGCGTATTATTTTCTTCTGGTCTTCTAAAATGAGACTATTCC-3'